The following is an entry in ClinVar:

NM_001384140.1(PCDH15):c.4063C>T (p.Arg1355Trp)

Gene: PCDH15 (protocadherin related 15; minus strand). Cytogenetic location: 10q21.1.
Variant type: single nucleotide variant.
Coding change: c.4063C>T on transcript NM_001384140.1 (MANE Select); coding-DNA position 4063, C replaced by T.
Protein change: p.Arg1355Trp; replaces arginine 1355 with tryptophan.
Molecular consequence: missense variant.
Genome position (GRCh38, 1-based): chr10:53,831,454, G>A on the plus strand (C>T on the coding strand, the complement: PCDH15 is on the minus strand). VCF-style: chr10-53831454-G-A. GRCh37 (hg19) VCF-style: chr10-55591214-G-A.
Other names: c.4078C>T, p.Arg1360Trp (NM_001142763.2, NM_001142771.2); c.4063C>T, p.Arg1355Trp (NM_001142764.2, NM_001142766.2, NM_001142770.3 and 4 more transcripts); c.3850C>T, p.Arg1284Trp (NM_001142765.2); c.3952C>T, p.Arg1318Trp (NM_001142767.2); c.3997C>T, p.Arg1333Trp (NM_001142768.2, NM_001142773.2, NM_001354404.2); c.4099C>T, p.Arg1367Trp (NM_001142769.4); c.4084C>T, p.Arg1362Trp (NM_001354411.2); short protein forms R1284W, R1318W, R1333W, R1355W, R1360W, R1362W, R1367W.
Identifiers: ClinVar variation 1307110 (VCV001307110.3), dbSNP rs759094376, ClinGen allele CA5505477.
Genomic context (GRCh38, chr10:53,831,454, plus strand): 5'-CTTCTGTGTATCCTAGACTTTCTCCTCTCTTTTTAATGCTGGTCACTGCCTCTGGAGTCC[G>A]GATCTCCAGAATGCGTCCTCCTTCCCCATAATACGGCTGAAAGTCTTTATTGATATCAAG-3'
Protein context (NP_001371069.1, residues 1345-1365): YGEGGRILEI[Arg1355Trp]TPEAVTSIKK

ClinVar aggregate classification (germline): Uncertain significance. Review status: criteria provided, multiple submitters, no conflicts (2 of 4 stars). 2 submissions from 2 submitters: Uncertain significance (2). Last evaluated 2022-02-05.

Allele frequency attached by ClinVar (database versions not stated): ExAC 0.00001; gnomAD exomes 0.00001 and 0.00002.
gnomAD v4.1: 13 of 1,613,950 alleles (0.00081%); highest among the groups gnomAD compares: East Asian, 0.0022%; no homozygotes.

Submissions (2):

Labcorp Genetics (formerly Invitae), Labcorp
Classification: Uncertain significance. Last evaluated: 2022-02-05. Review status: criteria provided, single submitter. Criteria: Invitae Variant Classification Sherloc (09022015). Collection method: clinical testing. Allele origin: germline.
Comment: This sequence change replaces arginine, which is basic and polar, with tryptophan, which is neutral and slightly polar, at codon 1355 of the PCDH15 protein (p.Arg1355Trp). This variant is present in population databases (rs759094376, gnomAD 0.003%). This variant has not been reported in the literature in individuals affected with PCDH15-related conditions. ClinVar contains an entry for this variant (Variation ID: 1307110). Algorithms developed to predict the effect of missense changes on protein structure and function are either unavailable or do not agree on the potential impact of this missense change (SIFT: "Deleterious"; PolyPhen-2: "Probably Damaging"; Align-GVGD: "Class C0"). In summary, the available evidence is currently insufficient to determine the role of this variant in disease. Therefore, it has been classified as a Variant of Uncertain Significance.

GeneDx
Classification: Uncertain significance. Last evaluated: 2019-07-22. Review status: criteria provided, single submitter. Criteria: GeneDx Variant Classification Process June 2021. Collection method: clinical testing. Allele origin: germline. Affected: yes.
Comment: Has not been previously published as pathogenic or benign to our knowledge